The following is an entry in ClinVar:

NM_000448.3(RAG1):c.2923C>T (p.Arg975Trp)

Gene: RAG1 (recombination activating 1; plus strand). Cytogenetic location: 11p12.
Variant type: single nucleotide variant.
Coding change: c.2923C>T on transcript NM_000448.3 (MANE Select); coding-DNA position 2923, C replaced by T.
Protein change: p.Arg975Trp; replaces arginine 975 with tryptophan.
Molecular consequence: missense variant.
Genome position (GRCh38, 1-based): chr11:36,576,227, C>T. VCF-style: chr11-36576227-C-T. GRCh37 (hg19) VCF-style: chr11-36597777-C-T.
Other names: c.2923C>T, p.Arg975Trp (NM_001377277.1, NM_001377278.1, NM_001377279.1 and 1 more transcripts); short protein forms R975W.
Identifiers: ClinVar variation 13159 (VCV000013159.13), dbSNP rs121918570, ClinGen allele CA122919.

ClinVar aggregate classification (germline): Pathogenic/Likely pathogenic. Review status: criteria provided, multiple submitters, no conflicts (2 of 4 stars). 6 submissions from 6 submitters: Pathogenic (3); Likely pathogenic (2). 1 of the submissions does not count toward it. Last evaluated 2026-01-01.

Conditions:
RAG1-related disorder. Also called: RAG1-related disorders; RAG1-related condition.
Severe combined immunodeficiency, autosomal recessive, T cell-negative, B cell-negative, NK cell-positive. Also called: SCID, AR, T-cell negative, B-cell negative, NK cell-positive; Severe combined immunodeficiency due to complete RAG1/2 deficiency; SCID, T CELL-NEGATIVE, B CELL-NEGATIVE, NK CELL-POSITIVE. Identifiers: Orphanet 331206, MedGen C1832322, MONDO:0011086, OMIM 601457.
Combined immunodeficiency with skin granulomas. Identifiers: Orphanet 157949, MedGen C2673536, MONDO:0009306, OMIM 233650.
Severe combined immunodeficiency disease. Also called: Severe Combined Immune Deficiency; Severe combined immunodeficiency. Identifiers: Orphanet 183660, MedGen C0085110, MeSH D016511, MONDO:0015974, HP:0004430. Inheritance: X-Linked or Autosomal recessive.
Combined immunodeficiency due to partial RAG1 deficiency. Identifiers: Orphanet 231154, MedGen C1835931, MONDO:0012359, OMIM 609889.

Allele frequency attached by ClinVar (database versions not stated): gnomAD 0.00001; gnomAD exomes 0.00001; TOPMed 0.00001; ExAC 0.00002.
gnomAD v4.1: 10 of 1,613,926 alleles (0.00062%); highest among the groups gnomAD compares: South Asian, 0.0022%; no homozygotes.

Submissions (6):

Labcorp Genetics (formerly Invitae), Labcorp
Classification: Pathogenic for Combined immunodeficiency with skin granulomas; Severe combined immunodeficiency, autosomal recessive, T cell-negative, B cell-negative, NK cell-positive. Last evaluated: 2026-01-01. Review status: criteria provided, single submitter. Criteria: Invitae Variant Classification Sherloc (09022015). Collection method: clinical testing. Allele origin: germline.
Comment: This sequence change replaces arginine, which is basic and polar, with tryptophan, which is neutral and slightly polar, at codon 975 of the RAG1 protein (p.Arg975Trp). This variant is present in population databases (rs121918570, gnomAD 0.004%). This missense change has been observed in individual(s) with granulomatous disease and/or Omenn syndrome (PMID: 18463379, 19064334, 24290284, 31632441, 36279417). In at least one individual the data is consistent with being in trans (on the opposite chromosome) from a pathogenic variant. ClinVar contains an entry for this variant (Variation ID: 13159). Invitae Evidence Modeling of protein sequence and biophysical properties (such as structural, functional, and spatial information, amino acid conservation, physicochemical variation, residue mobility, and thermodynamic stability) indicates that this missense variant is expected to disrupt RAG1 protein function with a positive predictive value of 95%. Experimental studies have shown that this missense change affects RAG1 function (PMID: 24290284, 36279417). This variant disrupts the p.Arg975 amino acid residue in RAG1. Other variant(s) that disrupt this residue have been determined to be pathogenic (PMID: 11133745, 24290284, 27484032). This suggests that this residue is clinically significant, and that variants that disrupt this residue are likely to be disease-causing. For these reasons, this variant has been classified as Pathogenic.

Genomic Medicine Center of Excellence, King Faisal Specialist Hospital and Research Centre
Classification: Likely pathogenic for Severe combined immunodeficiency, autosomal recessive, T cell-negative, B cell-negative, NK cell-positive. Last evaluated: 2025-09-10. Review status: criteria provided, single submitter. Criteria: ACMG Guidelines, 2015. Collection method: clinical testing. Allele origin: germline.

Women's Health and Genetics/Laboratory Corporation of America, LabCorp
Classification: Pathogenic for Severe combined immunodeficiency disease. Last evaluated: 2023-08-24. Review status: criteria provided, single submitter. Criteria: LabCorp Variant Classification Summary - May 2015. Collection method: clinical testing. Allele origin: germline.
Comment: Variant summary: RAG1 c.2923C>T (p.Arg975Trp) results in a non-conservative amino acid change in the encoded protein sequence. Five of five in-silico tools predict a damaging effect of the variant on protein function. The variant allele was found at a frequency of 1.2e-05 in 250554 control chromosomes (gnomAD). c.2923C>T has been reported in the literature as a biallelic genotype in multiple individuals affected with Severe Combined Immunodeficiency Syndrome/Omenn Syndrome (e.g. Schuetz_2008, Schonberger_2009, Shen_2019, Vignesh_2021, Tanita_2022). These data indicate that the variant is very likely to be associated with disease. At least one publication reports experimental evidence evaluating an impact on recombination efficiency in vitro and found that the variant has approximately 3% of the wildtype activity (e.g. Schuetz_2008). Additionally, another variant affecting the same amino acid, c.2924G>A (p.Arg975Gln), has been classified as pathogenic, suggesting p.Arg975 is important for proper protein function. The following publications have been ascertained in the context of this evaluation (PMID: 19064334, 18463379, 31632441, 35281013, 33628209). One submitter has provided a clinical-significance assessment for this variant to ClinVar after 2014 and has classified the variant as likely pathogenic. Based on the evidence outlined above, the variant was classified as pathogenic.

Baylor Genetics
Classification: Pathogenic for Combined immunodeficiency due to partial RAG1 deficiency. Last evaluated: 2023-06-01. Review status: criteria provided, single submitter. Criteria: ACMG Guidelines, 2015. Collection method: clinical testing. Allele origin: unknown.

Blueprint Genetics
Classification: Likely pathogenic for RAG1-related disorders. Last evaluated: 2019-06-28. Review status: criteria provided, single submitter. Criteria: ACMG Guidelines, 2015. Collection method: clinical testing. Allele origin: germline. Affected: yes. Observed: 1 variant allele.

OMIM
Classification: Pathogenic for COMBINED CELLULAR AND HUMORAL IMMUNE DEFECTS WITH GRANULOMAS. Last evaluated: 2008-05-08. Review status: no assertion criteria provided. Collection method: literature only. Allele origin: germline. Not counted in ClinVar's aggregate classification.

Literature cited by the submitters: PubMed 18463379 (cited by 3 submitters); PubMed 19064334 (cited by Labcorp Genetics (formerly Invitae), Labcorp and Women's Health and Genetics/Laboratory Corporation of America, LabCorp); PubMed 24290284 (cited by Labcorp Genetics (formerly Invitae), Labcorp); PubMed 31632441 (cited by Labcorp Genetics (formerly Invitae), Labcorp and Women's Health and Genetics/Laboratory Corporation of America, LabCorp); PubMed 36279417 (cited by Labcorp Genetics (formerly Invitae), Labcorp); PubMed 11133745 (cited by Labcorp Genetics (formerly Invitae), Labcorp); PubMed 27484032 (cited by Labcorp Genetics (formerly Invitae), Labcorp); PubMed 33628209 (cited by Women's Health and Genetics/Laboratory Corporation of America, LabCorp); PubMed 35281013 (cited by Women's Health and Genetics/Laboratory Corporation of America, LabCorp).